The following is an entry in ClinVar:

NM_004281.4(BAG3):c.907C>T (p.Gln303Ter)

Gene: BAG3 (BAG cochaperone 3; plus strand). Cytogenetic location: 10q26.11.
Variant type: single nucleotide variant.
Coding change: c.907C>T on transcript NM_004281.4 (MANE Select); coding-DNA position 907, C replaced by T.
Protein change: p.Gln303Ter; replaces glutamine 303 with a stop codon.
Molecular consequence: nonsense.
Genome position (GRCh38, 1-based): chr10:119,672,654, C>T. VCF-style: chr10-119672654-C-T. GRCh37 (hg19) VCF-style: chr10-121432166-C-T.
Other names: short protein forms Q303*.
Identifiers: ClinVar variation 2084733 (VCV002084733.4), dbSNP rs1183981489, ClinGen allele CA378296169.
Genomic context (GRCh38, chr10:119,672,654, plus strand): 5'-AGCAGCACGCCACTCCACTCCCCCTCGCCCATCCGTGTGCACACCGTGGTCGACAGGCCT[C>T]AGGTACGGGAAGTTAGTCGTCAGCAGACTGGTTATGGTGGTATGTCTCCAGGGGTGCAGG-3'

ClinVar aggregate classification (germline): Pathogenic (1 of 4 stars; one submission).

Conditions:
Dilated cardiomyopathy 1HH (CMD1HH). Identifiers: Orphanet 154, MedGen C3151293, MONDO:0013479, OMIM 613881.
Myofibrillar myopathy 6. Identifiers: Orphanet 199340, MedGen C2751831, MONDO:0013061, OMIM 612954.

Submission:

Labcorp Genetics (formerly Invitae), Labcorp
Classification: Pathogenic for Dilated cardiomyopathy 1HH; Myofibrillar myopathy 6. Last evaluated: 2022-01-16. Review status: criteria provided, single submitter. Criteria: Invitae Variant Classification Sherloc (09022015). Collection method: clinical testing. Allele origin: germline.
Comment: This sequence change creates a premature translational stop signal (p.Gln303*) in the BAG3 gene. While this is not anticipated to result in nonsense mediated decay, it is expected to disrupt the last 273 amino acid(s) of the BAG3 protein. This variant is not present in population databases (gnomAD no frequency). This variant has not been reported in the literature in individuals affected with BAG3-related conditions. This variant disrupts a region of the BAG3 protein in which other variant(s) (p.Arg473*) have been determined to be pathogenic (PMID: 28436997). This suggests that this is a clinically significant region of the protein, and that variants that disrupt it are likely to be disease-causing. For these reasons, this variant has been classified as Pathogenic.

Literature cited by the submitters: PubMed 28436997.